The following is an entry in ClinVar:

NM_014361.4(CNTN5):c.982C>G (p.Pro328Ala)

Gene: CNTN5 (contactin 5; plus strand). Cytogenetic location: 11q22.1.
Variant type: single nucleotide variant.
Coding change: c.982C>G on transcript NM_014361.4 (MANE Select); coding-DNA position 982, C replaced by G.
Protein change: p.Pro328Ala; replaces proline 328 with alanine.
Molecular consequence: missense variant.
Genome position (GRCh38, 1-based): chr11:100,061,213, C>G. VCF-style: chr11-100061213-C-G. GRCh37 (hg19) VCF-style: chr11-99931945-C-G.
Other names: c.982C>G, p.Pro328Ala (NM_001243270.2, NM_001243271.2); c.760C>G, p.Pro254Ala (NM_175566.2); short protein forms P254A, P328A.
Identifiers: ClinVar variation 3039934 (VCV003039934.2), dbSNP rs201910584, ClinGen allele CA6242287.
Genomic context (GRCh38, chr11:100,061,213, plus strand): 5'-AGAATCTATGTTCCTAACAGTGGAGAGTGTATTAACAGTATTTTTGTTCCCTATCGTAGC[C>G]CCGTTCCAACAATCACATGGATGAAGGTTAATGGTTATATTCCTAGTAAGGCACGTCTGC-3'
Protein context (NP_055176.1, residues 318-338): VKMECFALGN[Pro328Ala]VPTITWMKVN

ClinVar aggregate classification (germline): Likely benign (0 of 4 stars; one submission).

Conditions:
CNTN5-related disorder. Also called: CNTN5-related condition.

Allele frequency attached by ClinVar (database versions not stated): TOPMed 0.00059; gnomAD 0.00076; ExAC 0.00095; gnomAD exomes 0.00097; ESP Exome Variant Server 0.00099.
gnomAD v4.1: 1,496 of 1,605,812 alleles (0.093%); highest among the groups gnomAD compares: South Asian, 0.21%; 5 homozygotes.

Submission:

PreventionGenetics, part of Exact Sciences
Classification: Likely benign for CNTN5-related condition. Last evaluated: 2022-08-09. Review status: no assertion criteria provided. Collection method: clinical testing. Allele origin: germline.
Comment: This variant is classified as likely benign based on ACMG/AMP sequence variant interpretation guidelines (Richards et al. 2015 PMID: 25741868, with internal and published modifications).